The following is an entry in ClinVar:

ClinVar aggregate classification (germline): Benign (3 of 4 stars; one submission).

Conditions:
Breast-ovarian cancer, familial, susceptibility to, 1 (BROVCA1). Also called: BRCA1 Hereditary Breast and Ovarian Cancer; OVARIAN CANCER, SUSCEPTIBILITY TO. Identifiers: Orphanet 145, MedGen C2676676, MONDO:0011450, OMIM 604370. Disease mechanism: loss of function.

Allele frequency attached by ClinVar (database versions not stated): gnomAD 0.00132; 1000 Genomes Project 30x 0.00297; 1000 Genomes Project 0.00300.
gnomAD v4.1: 191 of 145,794 alleles (0.13%); highest among the groups gnomAD compares: African/African-American, 0.41%; 1 homozygote.

Submission:

Evidence-based Network for the Interpretation of Germline Mutant Alleles (ENIGMA)
Classification: Benign for Breast-ovarian cancer, familial 1. Last evaluated: 2015-01-12. Review status: reviewed by expert panel. Criteria: ENIGMA BRCA1/2 Classification Criteria (2015). Collection method: curation. Allele origin: germline.
Comment: Class 1 not pathogenic based on frequency >1% in an outbred sampleset. Frequency 0.02033 (African), derived from 1000 genomes (2012-04-30).

NM_007294.4(BRCA1):c.135-925T>C

Gene: BRCA1 (BRCA1 DNA repair associated; minus strand). Cytogenetic location: 17q21.31.
Variant type: single nucleotide variant.
Coding change: c.135-925T>C on transcript NM_007294.4 (MANE Select); 925 bases into the intron before coding-DNA position 135, T replaced by C.
Molecular consequence: intron variant.
Genome position (GRCh38, 1-based): chr17:43,107,458, A>G on the plus strand (T>C on the coding strand, the complement: BRCA1 is on the minus strand). VCF-style: chr17-43107458-A-G. GRCh37 (hg19) VCF-style: chr17-41259475-A-G.
Other names: IVS 3-925T>C; c.-7-925T>C (NM_001408458.1, NM_001407931.1, NM_001407747.1 and 99 more transcripts); c.-218-12598T>C (NM_001407967.1, NM_001407966.1); c.-169-2502T>C (NM_001407959.1, NM_001407962.1, NM_001408512.1 and 4 more transcripts); c.-54-925T>C (NM_001407885.1, NM_001407886.1, NM_001407898.1 and 58 more transcripts); c.135-925T>C (NM_001407686.1, NM_001408397.1, NM_001407632.1 and 167 more transcripts); c.81-2502T>C (NM_001408451.1); c.135-2502T>C (NM_001408475.1, NM_001407875.1, NM_001407659.1 and 21 more transcripts).
Identifiers: ClinVar variation 209496 (VCV000209496.2), dbSNP rs148341992, ClinGen allele CA276466.